The following is an entry in ClinVar:

NM_001130438.3(SPTAN1):c.5322C>T (p.Phe1774=)

Gene: SPTAN1 (spectrin alpha, non-erythrocytic 1; plus strand). Cytogenetic location: 9q34.11.
Variant type: single nucleotide variant.
Coding change: c.5322C>T on transcript NM_001130438.3 (MANE Select); coding-DNA position 5322, C replaced by T.
Protein change: p.Phe1774=; no amino-acid change (phenylalanine 1774 retained).
Molecular consequence: synonymous variant.
Genome position (GRCh38, 1-based): chr9:128,615,805, C>T. VCF-style: chr9-128615805-C-T. GRCh37 (hg19) VCF-style: chr9-131378084-C-T.
Other names: c.5247C>T, p.Phe1749= (NM_001195532.2); c.5322C>T, p.Phe1774= (NM_001363759.2); c.5262C>T, p.Phe1754= (NM_001363765.2); c.5307C>T, p.Phe1769= (NM_003127.4).
Identifiers: ClinVar variation 416899 (VCV000416899.37), dbSNP rs780530803, ClinGen allele CA5265422.

ClinVar aggregate classification (germline): Likely benign. Review status: criteria provided, multiple submitters, no conflicts (2 of 4 stars). 4 submissions from 4 submitters: Likely benign (4). Last evaluated 2026-01-28.

Conditions:
Early-infantile DEE. Also called: Early infantile epileptic encephalopathy with suppression bursts; Early infantile epileptic encephalopathy; Ohtahara syndrome. Identifiers: Orphanet 1934, MedGen C0393706, MONDO:0800491.

Allele frequency attached by ClinVar (database versions not stated): gnomAD 0.00002 and 0.00003; ExAC 0.00003; gnomAD exomes 0.00003 and 0.00005; TOPMed 0.00003.

Submissions (4):

Labcorp Genetics (formerly Invitae), Labcorp
Classification: Likely benign for Early-infantile DEE. Last evaluated: 2026-01-28. Review status: criteria provided, single submitter. Criteria: Invitae Variant Classification Sherloc (09022015). Collection method: clinical testing. Allele origin: germline.

CeGaT Center for Human Genetics Tuebingen
Classification: Likely benign. Last evaluated: 2023-11-01. Review status: criteria provided, single submitter. Criteria: CeGaT Center For Human Genetics Tuebingen Variant Classification Criteria Version 2. Collection method: clinical testing. Allele origin: germline. Affected: yes. Observed: 2 variant alleles.
Comment: SPTAN1: BP4, BP7

GeneDx
Classification: Likely benign. Last evaluated: 2018-07-05. Review status: criteria provided, single submitter. Criteria: GeneDx Variant Classification Process June 2021. Collection method: clinical testing. Allele origin: germline. Affected: yes.

Breakthrough Genomics
Classification: Likely benign. Review status: criteria provided, single submitter. Criteria: ACMG Guidelines, 2015. Collection method: not provided. Allele origin: germline. Inheritance: Autosomal dominant inheritance. Affected: yes.